The following is an entry in ClinVar:

NC_000020.10:g.(?_13775474)_(13775597_?)del

Gene: NDUFAF5 (NADH:ubiquinone oxidoreductase complex assembly factor 5; plus strand). Cytogenetic location: 20p12.1.
Variant type: Deletion.
Identifiers: ClinVar variation 2426805 (VCV002426805.4).

ClinVar aggregate classification (germline): Pathogenic (1 of 4 stars; one submission).

Submission:

Labcorp Genetics (formerly Invitae), Labcorp
Classification: Pathogenic. Last evaluated: 2022-01-28. Review status: criteria provided, single submitter. Criteria: Invitae Variant Classification Sherloc (09022015). Collection method: clinical testing. Allele origin: germline.
Comment: For these reasons, this variant has been classified as Pathogenic. This variant has not been reported in the literature in individuals affected with NDUFAF5-related conditions. This variant is a gross deletion of the genomic region encompassing exon(s) 5 of the NDUFAF5 gene. This deletion is out-of-frame, and is expected to create a premature termination codon and result in an absent or disrupted protein product. Loss-of-function variants in NDUFAF5 are known to be pathogenic (PMID: 26275793, 30473481, 32918965).

Literature cited by the submitters: PubMed 26275793; PubMed 30473481; PubMed 32918965.